The following is an entry in ClinVar:

NM_001081.4(CUBN):c.3832T>C (p.Cys1278Arg)

Gene: CUBN (cubilin; minus strand). Cytogenetic location: 10p13.
Variant type: single nucleotide variant.
Coding change: c.3832T>C on transcript NM_001081.4 (MANE Select); coding-DNA position 3832, T replaced by C.
Protein change: p.Cys1278Arg; replaces cysteine 1278 with arginine.
Molecular consequence: missense variant.
Genome position (GRCh38, 1-based): chr10:17,041,218, A>G on the plus strand (T>C on the coding strand, the complement: CUBN is on the minus strand). VCF-style: chr10-17041218-A-G. GRCh37 (hg19) VCF-style: chr10-17083217-A-G.
Other names: short protein forms C1278R.
Identifiers: ClinVar variation 2059073 (VCV002059073.5), dbSNP rs1316202719, ClinGen allele CA376146929.

ClinVar aggregate classification (germline): Uncertain significance. Review status: criteria provided, multiple submitters, no conflicts (2 of 4 stars). 2 submissions from 2 submitters: Uncertain significance (2). Last evaluated 2026-09-15.

Conditions:
Imerslund-Grasbeck syndrome. Also called: ENTEROCYTE COBALAMIN MALABSORPTION; ENTEROCYTE INTRINSIC FACTOR RECEPTOR, DEFECT OF; Imerslund-Gräsbeck syndrome; Megaloblastic anemia due to inborn errors of metabolism; PERNICIOUS ANEMIA, JUVENILE, DUE TO SELECTIVE INTESTINAL MALABSORPTION OF VITAMIN B12, WITH PROTEINURIA. Identifiers: Orphanet 35858, MedGen C4551825, MONDO:0009853.
CUBN-related disorder. Also called: CUBN-related condition.

Allele frequency attached by ClinVar (database versions not stated): TOPMed below 0.00001.

Submissions (2):

PreventionGenetics, part of Exact Sciences
Classification: Uncertain significance for CUBN-related condition. Last evaluated: 2026-09-15. Review status: criteria provided, single submitter. Criteria: ACMG Guidelines, 2015. Collection method: clinical testing. Allele origin: germline.
Comment: The CUBN c.3832T>C variant is predicted to result in the amino acid substitution p.Cys1278Arg. To our knowledge, this variant has not been reported in the literature or in a large population database (gnomAD), indicating this variant is rare. At this time, the clinical significance of this variant is uncertain due to the absence of conclusive functional and genetic evidence.

Labcorp Genetics (formerly Invitae), Labcorp
Classification: Uncertain significance for Imerslund-Grasbeck syndrome. Last evaluated: 2024-04-14. Review status: criteria provided, single submitter. Criteria: Invitae Variant Classification Sherloc (09022015). Collection method: clinical testing. Allele origin: germline.
Comment: This sequence change replaces cysteine, which is neutral and slightly polar, with arginine, which is basic and polar, at codon 1278 of the CUBN protein (p.Cys1278Arg). This variant is not present in population databases (gnomAD no frequency). This variant has not been reported in the literature in individuals affected with CUBN-related conditions. ClinVar contains an entry for this variant (Variation ID: 2059073). An algorithm developed to predict the effect of missense changes on protein structure and function (PolyPhen-2) suggests that this variant is likely to be disruptive. In summary, the available evidence is currently insufficient to determine the role of this variant in disease. Therefore, it has been classified as a Variant of Uncertain Significance.